The following is an entry in ClinVar:

ClinVar aggregate classification (germline): Uncertain significance (1 of 4 stars; one submission).

Allele frequency attached by ClinVar (database versions not stated): TOPMed 0.00001; ExAC 0.00003.
gnomAD v4.1: 14 of 1,613,822 alleles (0.00087%); highest among the groups gnomAD compares: South Asian, 0.015%; no homozygotes.

Submission:

Labcorp Genetics (formerly Invitae), Labcorp
Classification: Uncertain significance. Last evaluated: 2023-07-13. Review status: criteria provided, single submitter. Criteria: Invitae Variant Classification Sherloc (09022015). Collection method: clinical testing. Allele origin: germline.
Comment: In summary, the available evidence is currently insufficient to determine the role of this variant in disease. Therefore, it has been classified as a Variant of Uncertain Significance. Algorithms developed to predict the effect of missense changes on protein structure and function output the following: SIFT: "Not Available"; PolyPhen-2: "Benign"; Align-GVGD: "Not Available". The lysine amino acid residue is found in multiple mammalian species, which suggests that this missense change does not adversely affect protein function. ClinVar contains an entry for this variant (Variation ID: 1913188). This variant has not been reported in the literature in individuals affected with RP1-related conditions. This variant is present in population databases (rs767898825, gnomAD 0.01%). This sequence change replaces asparagine, which is neutral and polar, with lysine, which is basic and polar, at codon 1473 of the RP1 protein (p.Asn1473Lys).

NM_006269.2(RP1):c.4419C>A (p.Asn1473Lys)

Gene: RP1 (RP1 axonemal microtubule associated; plus strand). Cytogenetic location: 8q12.1.
Variant type: single nucleotide variant.
Coding change: c.4419C>A on transcript NM_006269.2 (MANE Select); coding-DNA position 4419, C replaced by A.
Protein change: p.Asn1473Lys; replaces asparagine 1473 with lysine.
Molecular consequence: missense variant. On other transcripts: intron variant (1).
Genome position (GRCh38, 1-based): chr8:54,628,301, C>A. VCF-style: chr8-54628301-C-A. GRCh37 (hg19) VCF-style: chr8-55540861-C-A.
Other names: c.787+6013C>A (NM_001375654.1); short protein forms N1473K.
Identifiers: ClinVar variation 1913188 (VCV001913188.5), dbSNP rs767898825, ClinGen allele CA4751864.
Genomic context (GRCh38, chr8:54,628,301, plus strand): 5'-CAGCATGACATCAAGTGAAAGAAACATTTCAGAATTGGAATCTTTTGAAGAATTAGAAAA[C>A]CATGACACTGATATCTTTAATACAGTGGTAAATGGAGGAGAGCAAGCCACTGAAGAATTA-3'
Protein context (NP_006260.1, residues 1463-1483): SELESFEELE[Asn1473Lys]HDTDIFNTVV